The following is an entry in ClinVar:

ClinVar aggregate classification (germline): Uncertain significance (1 of 4 stars; one submission).

Conditions:
Intellectual developmental disorder, autosomal dominant 1. Also called: MBD5 Haploinsufficiency; Intellectual disability, autosomal dominant 1. Identifiers: Orphanet 228402, MedGen C1969562, MONDO:0007974, OMIM 156200.

Submission:

Labcorp Genetics (formerly Invitae), Labcorp
Classification: Uncertain significance for Intellectual developmental disorder, autosomal dominant 1. Last evaluated: 2025-10-29. Review status: criteria provided, single submitter. Criteria: Invitae Variant Classification Sherloc (09022015). Collection method: clinical testing. Allele origin: germline.
Comment: This sequence change replaces phenylalanine, which is neutral and non-polar, with cysteine, which is neutral and slightly polar, at codon 696 of the MBD5 protein (p.Phe696Cys). This variant is not present in population databases (gnomAD no frequency). This variant has not been reported in the literature in individuals affected with MBD5-related conditions. ClinVar contains an entry for this variant (Variation ID: 2836840). Invitae Evidence Modeling of protein sequence and biophysical properties (such as structural, functional, and spatial information, amino acid conservation, physicochemical variation, residue mobility, and thermodynamic stability) indicates that this missense variant is not expected to disrupt MBD5 protein function with a negative predictive value of 80%. In summary, the available evidence is currently insufficient to determine the role of this variant in disease. Therefore, it has been classified as a Variant of Uncertain Significance.

NM_001378120.1(MBD5):c.2087T>G (p.Phe696Cys)

Gene: MBD5 (methyl-CpG binding domain protein 5; plus strand). Cytogenetic location: 2q23.1.
Variant type: single nucleotide variant.
Coding change: c.2087T>G on transcript NM_001378120.1 (MANE Select); coding-DNA position 2087, T replaced by G.
Protein change: p.Phe696Cys; replaces phenylalanine 696 with cysteine.
Molecular consequence: missense variant.
Genome position (GRCh38, 1-based): chr2:148,470,030, T>G. VCF-style: chr2-148470030-T-G. GRCh37 (hg19) VCF-style: chr2-149227599-T-G.
Other names: c.2087T>G, p.Phe696Cys (NM_018328.5); short protein forms F696C.
Identifiers: ClinVar variation 2836840 (VCV002836840.3), dbSNP rs2469873138, ClinGen allele CA348721085.